The following is an entry in ClinVar:

ClinVar aggregate classification (germline): Uncertain significance. Review status: criteria provided, multiple submitters, no conflicts (2 of 4 stars). 2 submissions from 2 submitters: Uncertain significance (2). Last evaluated 2024-11-25.

Conditions:
Inborn genetic diseases. Identifiers: MedGen C0950123, MeSH D030342.

Allele frequency attached by ClinVar (database versions not stated): gnomAD exomes below 0.00001.
gnomAD v4.1: 5 of 1,613,470 alleles (0.00031%); highest among the groups gnomAD compares: Non-Finnish European, 0.00042%; no homozygotes.

Submissions (2):

Ambry Genetics
Classification: Uncertain significance for Inborn genetic diseases. Last evaluated: 2024-11-25. Review status: criteria provided, single submitter. Criteria: Ambry Variant Classification Scheme 2023. Collection method: clinical testing. Allele origin: germline.

Labcorp Genetics (formerly Invitae), Labcorp
Classification: Uncertain significance. Last evaluated: 2023-04-05. Review status: criteria provided, single submitter. Criteria: Invitae Variant Classification Sherloc (09022015). Collection method: clinical testing. Allele origin: germline.
Comment: This sequence change replaces alanine, which is neutral and non-polar, with glycine, which is neutral and non-polar, at codon 3811 of the PCLO protein (p.Ala3811Gly). This variant is not present in population databases (gnomAD no frequency). This variant has not been reported in the literature in individuals affected with PCLO-related conditions. Experimental studies and prediction algorithms are not available or were not evaluated, and the functional significance of this variant is currently unknown. In summary, the available evidence is currently insufficient to determine the role of this variant in disease. Therefore, it has been classified as a Variant of Uncertain Significance.

NM_033026.6(PCLO):c.11432C>G (p.Ala3811Gly)

Gene: PCLO (piccolo presynaptic cytomatrix protein; minus strand). Cytogenetic location: 7q21.11.
Variant type: single nucleotide variant.
Coding change: c.11432C>G on transcript NM_033026.6 (MANE Select); coding-DNA position 11432, C replaced by G.
Protein change: p.Ala3811Gly; replaces alanine 3811 with glycine.
Molecular consequence: missense variant.
Genome position (GRCh38, 1-based): chr7:82,916,554, G>C on the plus strand (C>G on the coding strand, the complement: PCLO is on the minus strand). VCF-style: chr7-82916554-G-C. GRCh37 (hg19) VCF-style: chr7-82545870-G-C.
Other names: c.11432C>G (NM_033026.5); c.11432C>G, p.Ala3811Gly (NM_014510.3); short protein forms A3811G.
Identifiers: ClinVar variation 2801887 (VCV002801887.4), dbSNP rs2535556147, ClinGen allele CA367893872.